The following is an entry in ClinVar:

ClinVar aggregate classification (germline): Benign/Likely benign. Review status: criteria provided, multiple submitters, no conflicts (2 of 4 stars). 3 submissions from 3 submitters: Benign (1); Likely benign (2). Last evaluated 2025-11-24.

Conditions:
Holoprosencephaly 11 (HPE11). Identifiers: Orphanet 2162, MedGen C3280215, MONDO:0013642, OMIM 614226.

Allele frequency attached by ClinVar (database versions not stated): gnomAD exomes 0.00015 and 0.00029; ExAC 0.00020; gnomAD 0.00020 and 0.00021; ESP Exome Variant Server 0.00023; TOPMed 0.00026.
gnomAD v4.1: 264 of 1,613,840 alleles (0.016%); highest among the groups gnomAD compares: Non-Finnish European, 0.0026%; 2 homozygotes.

Submissions (3):

Labcorp Genetics (formerly Invitae), Labcorp
Classification: Benign for Holoprosencephaly 11. Last evaluated: 2025-11-24. Review status: criteria provided, single submitter. Criteria: Invitae Variant Classification Sherloc (09022015). Collection method: clinical testing. Allele origin: germline.

Illumina Laboratory Services, Illumina
Classification: Likely benign for Holoprosencephaly 11. Last evaluated: 2018-01-12. Review status: criteria provided, single submitter. Criteria: ICSL Variant Classification Criteria 13 December 2019. Collection method: clinical testing. Allele origin: germline.
Comment: This variant was observed in the ICSL laboratory as part of a predisposition screen in an ostensibly healthy population. It had not been previously curated by ICSL or reported in the Human Gene Mutation Database (HGMD: prior to June 1st, 2018), and was therefore a candidate for classification through an automated scoring system. Utilizing variant allele frequency, disease prevalence and penetrance estimates, and inheritance mode, an automated score was calculated to assess if this variant is too frequent to cause the disease. Based on the score and internal cut-off values, a variant classified as likely benign is not then subjected to further curation. The score for this variant resulted in a classification of likely benign for this disease.

Breakthrough Genomics
Classification: Likely benign. Review status: criteria provided, single submitter. Criteria: ACMG Guidelines, 2015. Collection method: not provided. Allele origin: germline. Inheritance: Autosomal dominant inheritance. Affected: yes.

NM_001378964.1(CDON):c.1940C>T (p.Pro647Leu)

Gene: CDON (cell adhesion associated, oncogene regulated; minus strand). Cytogenetic location: 11q24.2.
Variant type: single nucleotide variant.
Coding change: c.1940C>T on transcript NM_001378964.1 (MANE Select); coding-DNA position 1940, C replaced by T.
Protein change: p.Pro647Leu; replaces proline 647 with leucine.
Molecular consequence: missense variant.
Genome position (GRCh38, 1-based): chr11:126,003,988, G>A on the plus strand (C>T on the coding strand, the complement: CDON is on the minus strand). VCF-style: chr11-126003988-G-A. GRCh37 (hg19) VCF-style: chr11-125873883-G-A.
Other names: c.1940C>T, p.Pro647Leu (NM_001243597.3, NM_016952.6); short protein forms P647L.
Identifiers: ClinVar variation 303507 (VCV000303507.9), dbSNP rs200961603, ClinGen allele CA6351895.